The following is an entry in ClinVar:

NC_000023.11:g.(?_38352331)_(38352793_?)dup

Gene: OTC (ornithine transcarbamylase; plus strand). Cytogenetic location: Xp11.4.
Variant type: Duplication.
Identifiers: ClinVar variation 831129 (VCV000831129.1).

ClinVar aggregate classification (germline): Uncertain significance (1 of 4 stars; one submission).

Conditions:
Ornithine carbamoyltransferase deficiency (OTCD). Also called: Ornithine Carbamoyltransferase Deficiency Disease; ORNITHINE TRANSCARBAMYLASE DEFICIENCY, HYPERAMMONEMIA DUE TO; ORNITHINE TRANSCARBAMYLASE DEFICIENCY; OTC DEFICIENCY. Identifiers: Orphanet 664, MedGen C0268542, MONDO:0010703, OMIM 311250.

Submission:

Labcorp Genetics (formerly Invitae), Labcorp
Classification: Uncertain significance for Ornithine carbamoyltransferase deficiency. Last evaluated: 2019-05-10. Review status: criteria provided, single submitter. Criteria: Invitae Variant Classification Sherloc (09022015). Collection method: clinical testing. Allele origin: germline.
Comment: This variant results in a copy number gain of the genomic region encompassing exons 1 of the OTC gene. The 5' end of this event is unknown as it extends beyond the assayed region for this gene and therefore may encompass additional genes. The 3' boundary is likely confined to intron 1 of the OTC gene, which includes the initiator codon. As the precise location of this event is unknown, it may be in tandem or it may be located elsewhere in the genome. In summary, the available evidence is currently insufficient to determine the role of this variant in disease. Therefore, it has been classified as a Variant of Uncertain Significance.